The following is an entry in ClinVar:

ClinVar aggregate classification (germline): Likely pathogenic (1 of 4 stars; one submission).

Submission:

Labcorp Genetics (formerly Invitae), Labcorp
Classification: Likely pathogenic. Last evaluated: 2021-12-13. Review status: criteria provided, single submitter. Criteria: Invitae Variant Classification Sherloc (09022015). Collection method: clinical testing. Allele origin: germline.
Comment: In summary, the currently available evidence indicates that the variant is pathogenic, but additional data are needed to prove that conclusively. Therefore, this variant has been classified as Likely Pathogenic. A similar copy number variant has been observed in individual(s) with clinical features of nail-patella syndrome (Invitae). This variant results in a copy number gain of the genomic region encompassing exon(s) 3 of the LMX1B gene. While the exact position of this variant cannot be determined from the data, sub-genic copy number gains are generally in tandem (PMID: 25640679). This variant is predicted to be out-of-frame, and may result in an absent or disrupted protein product. Loss-of-function variants in LMX1B are known to be pathogenic (PMID: 9590287, 15498463).

Literature cited by the submitters: PubMed 25640679; PubMed 9590287; PubMed 15498463.

NC_000009.11:g.(?_129453095)_(129453367_?)dup

Gene: LMX1B (LIM homeobox transcription factor 1 beta; plus strand). Cytogenetic location: 9q33.3.
Variant type: Duplication.
Identifiers: ClinVar variation 2424402 (VCV002424402.4).